The following is an entry in ClinVar:

ClinVar aggregate classification (germline): Uncertain significance (1 of 4 stars; one submission).

Conditions:
Birt-Hogg-Dube syndrome. Also called: Birt Hogg Dubé syndrome. Identifiers: Orphanet 122, MedGen C0346010, MONDO:0800444.

Submission:

Labcorp Genetics (formerly Invitae), Labcorp
Classification: Uncertain significance for Birt-Hogg-Dube syndrome. Last evaluated: 2023-01-02. Review status: criteria provided, single submitter. Criteria: Invitae Variant Classification Sherloc (09022015). Collection method: clinical testing. Allele origin: germline.
Comment: In summary, the available evidence is currently insufficient to determine the role of this variant in disease. Therefore, it has been classified as a Variant of Uncertain Significance. Advanced modeling of protein sequence and biophysical properties (such as structural, functional, and spatial information, amino acid conservation, physicochemical variation, residue mobility, and thermodynamic stability) performed at Invitae indicates that this missense variant is not expected to disrupt FLCN protein function. This variant has not been reported in the literature in individuals affected with FLCN-related conditions. This variant is not present in population databases (gnomAD no frequency). This sequence change replaces isoleucine, which is neutral and non-polar, with methionine, which is neutral and non-polar, at codon 96 of the FLCN protein (p.Ile96Met).

NM_144997.7(FLCN):c.288C>G (p.Ile96Met)

Gene: FLCN (folliculin; minus strand). Cytogenetic location: 17p11.2.
Variant type: single nucleotide variant.
Coding change: c.288C>G on transcript NM_144997.7 (MANE Select); coding-DNA position 288, C replaced by G.
Protein change: p.Ile96Met; replaces isoleucine 96 with methionine.
Molecular consequence: missense variant.
Genome position (GRCh38, 1-based): chr17:17,226,284, G>C on the plus strand (C>G on the coding strand, the complement: FLCN is on the minus strand). VCF-style: chr17-17226284-G-C. GRCh37 (hg19) VCF-style: chr17-17129598-G-C.
Other names: c.288C>G, p.Ile96Met (NM_001353229.2, NM_001353230.2, NM_001353231.2 and 1 more transcripts); short protein forms I96M.
Identifiers: ClinVar variation 2825941 (VCV002825941.3), dbSNP rs2145013356, ClinGen allele CA398534922.